The following is an entry in ClinVar:

NM_003470.3(USP7):c.157A>C (p.Asn53His)

Gene: USP7 (ubiquitin specific peptidase 7; minus strand). Cytogenetic location: 16p13.2.
Variant type: single nucleotide variant.
Coding change: c.157A>C on transcript NM_003470.3 (MANE Select); coding-DNA position 157, A replaced by C.
Protein change: p.Asn53His; replaces asparagine 53 with histidine.
Molecular consequence: missense variant. On other transcripts: 5 prime UTR variant (2), non-coding transcript variant (1).
Genome position (GRCh38, 1-based): chr16:8,930,320, T>G on the plus strand (A>C on the coding strand, the complement: USP7 is on the minus strand). VCF-style: chr16-8930320-T-G. GRCh37 (hg19) VCF-style: chr16-9024177-T-G.
Other names: c.109A>C, p.Asn37His (NM_001286457.2); c.-316A>C (NM_001286458.2); c.-18A>C (NM_001321858.2); short protein forms N37H, N53H.
Identifiers: ClinVar variation 4809770 (VCV004809770.1).
Genomic context (GRCh38, chr16:8,930,320, plus strand): 5'-CCCACTGCGAGGCGGTGAACCACAGGCACTTACCATCCTCCATGTCCTCCTCCGCGGTGT[T>G]GTGTCCATCACTCAGGGCCACATTCCCATTGATCACAGGGTTCTGAGTAATTCTTGGTGG-3'
Protein context (NP_003461.2, residues 43-63): NGNVALSDGH[Asn53His]TAEEDMEDDT

ClinVar aggregate classification (germline): Uncertain significance (1 of 4 stars; one submission).

gnomAD v4.1: 2 of 1,613,604 alleles (0.00012%); highest among the groups gnomAD compares: Non-Finnish European, 0.000085%; no homozygotes.

Submission:

Labcorp Genetics (formerly Invitae), Labcorp
Classification: Uncertain significance. Last evaluated: 2025-11-10. Review status: criteria provided, single submitter. Criteria: Invitae Variant Classification Sherloc (09022015). Collection method: clinical testing. Allele origin: germline.
Comment: This sequence change replaces asparagine, which is neutral and polar, with histidine, which is basic and polar, at codon 53 of the USP7 protein (p.Asn53His). This variant is not present in population databases (gnomAD no frequency). This variant has not been reported in the literature in individuals affected with USP7-related conditions. An algorithm developed to predict the effect of missense changes on protein structure and function (PolyPhen-2) suggests that this variant is likely to be tolerated. In summary, the available evidence is currently insufficient to determine the role of this variant in disease. Therefore, it has been classified as a Variant of Uncertain Significance.